The following is an entry in ClinVar:

ClinVar aggregate classification (germline): Likely pathogenic (1 of 4 stars; one submission).

Conditions:
Malignant tumor of breast. Also called: Malignant breast neoplasm; Cancer breast. Identifiers: MedGen C0006142, MONDO:0007254. Disease mechanism: loss of function.

Submission:

Women's Health and Genetics/Laboratory Corporation of America, LabCorp
Classification: Likely pathogenic for Malignant tumor of breast. Last evaluated: 2021-08-31. Review status: criteria provided, single submitter. Criteria: LabCorp Variant Classification Summary - May 2015. Collection method: clinical testing. Allele origin: germline.
Comment: Variant summary: The variant identified by MLPA or other technology involves the deletion of exon 2, which includes the initiator codon, and a part of exon 3 in the BRIP1 gene. A presumed nomenclature of c.(-31+1_-30-1)_(132_206-1)del has been designated for the purposes of this classification. Although exact breakpoints of this deletion are not known, it is expected to result in a truncation of the encoded protein or absence of the protein, a known mechanism of disease. The variant was absent in 21694 control chromosomes (gnomAD, Structural Variants dataset). A ClinVar submitter (evaluation after 2014) cites this same variant (c.-31+498_187del) as pathogenic. To our knowledge, no experimental evidence demonstrating an impact on protein function has been reported. Based on the evidence outlined above, the variant was classified as likely pathogenic.

Literature cited by the submitters: PubMed 28783718.

NC_000017.10:g.(59934593_59937230)_(59938931_59940644)del

Gene: BRIP1 (BRCA1 interacting DNA helicase 1; minus strand). Cytogenetic location: 17q23.2.
Variant type: Deletion.
Identifiers: ClinVar variation 1217290 (VCV001217290.2).